The following is an entry in ClinVar:

ClinVar aggregate classification (germline): Uncertain significance (1 of 4 stars; one submission).

Conditions:
Inborn genetic diseases. Identifiers: MedGen C0950123, MeSH D030342.

Submission:

Ambry Genetics
Classification: Uncertain significance for Inborn genetic diseases. Last evaluated: 2022-05-27. Review status: criteria provided, single submitter. Criteria: Ambry Variant Classification Scheme 2023. Collection method: clinical testing. Allele origin: germline.
Comment: The c.10409A>C (p.Q3470P) alteration is located in exon 43 (coding exon 43) of the KMT2C gene. This alteration results from a A to C substitution at nucleotide position 10409, causing the glutamine (Q) at amino acid position 3470 to be replaced by a proline (P). This variant was not reported in population-based cohorts in the Genome Aggregation Database (gnomAD). This amino acid position is not well conserved in available vertebrate species. This alteration is predicted to be tolerated by in silico analysis. Based on insufficient or conflicting evidence, the clinical significance of this alteration remains unclear.

NM_170606.3(KMT2C):c.10409A>C (p.Gln3470Pro)

Gene: KMT2C (lysine methyltransferase 2C; minus strand). Cytogenetic location: 7q36.1.
Variant type: single nucleotide variant.
Coding change: c.10409A>C on transcript NM_170606.3 (MANE Select); coding-DNA position 10409, A replaced by C.
Protein change: p.Gln3470Pro; replaces glutamine 3470 with proline.
Molecular consequence: missense variant.
Genome position (GRCh38, 1-based): chr7:152,163,168, T>G on the plus strand (A>C on the coding strand, the complement: KMT2C is on the minus strand). VCF-style: chr7-152163168-T-G. GRCh37 (hg19) VCF-style: chr7-151860253-T-G.
Other names: short protein forms Q3470P.
Identifiers: ClinVar variation 2292887 (VCV002292887.2), dbSNP rs1236558367, ClinGen allele CA370103779.